The following is an entry in ClinVar:

NM_000215.4(JAK3):c.1633G>C (p.Asp545His)

Gene: JAK3 (Janus kinase 3; minus strand). Cytogenetic location: 19p13.11.
Variant type: single nucleotide variant.
Coding change: c.1633G>C on transcript NM_000215.4 (MANE Select); coding-DNA position 1633, G replaced by C.
Protein change: p.Asp545His; replaces aspartic acid 545 with histidine.
Molecular consequence: missense variant.
Genome position (GRCh38, 1-based): chr19:17,838,000, C>G on the plus strand (G>C on the coding strand, the complement: JAK3 is on the minus strand). VCF-style: chr19-17838000-C-G. GRCh37 (hg19) VCF-style: chr19-17948809-C-G.
Other names: short protein forms D545H.
Identifiers: ClinVar variation 1497773 (VCV001497773.7), dbSNP rs2147687557, ClinGen allele CA404769485.
Genomic context (GRCh38, chr19:17,838,000, plus strand): 5'-AGTTCTTGTGCTTGGCATCCATGACCTTCAGCAGCACCTCTGTCTTTCGGGCCTCCCCAT[C>G]CACCACCTCATGGCGACAGCCCCGGTAAATCTTGGTGAAGGACCCATGGCCCAGGTTCTC-3'
Protein context (NP_000206.2, residues 535-555): IYRGCRHEVV[Asp545His]GEARKTEVLL

ClinVar aggregate classification (germline): Uncertain significance (1 of 4 stars; one submission).

Conditions:
T-B+ severe combined immunodeficiency due to JAK3 deficiency. Also called: SCID, autosomal recessive, T-negative/B-positive type; SCID, T CELL-NEGATIVE, B CELL-POSITIVE, NK CELL-NEGATIVE. Identifiers: Orphanet 35078, MedGen C1833275, MONDO:0010938, OMIM 600802.

Submission:

Labcorp Genetics (formerly Invitae), Labcorp
Classification: Uncertain significance for T-B+ severe combined immunodeficiency due to JAK3 deficiency. Last evaluated: 2020-11-10. Review status: criteria provided, single submitter. Criteria: Invitae Variant Classification Sherloc (09022015). Collection method: clinical testing. Allele origin: germline.
Comment: This sequence change replaces aspartic acid with histidine at codon 545 of the JAK3 protein (p.Asp545His). The aspartic acid residue is moderately conserved and there is a moderate physicochemical difference between aspartic acid and histidine. This variant is not present in population databases (ExAC no frequency). This variant has not been reported in the literature in individuals with JAK3-related conditions. Algorithms developed to predict the effect of missense changes on protein structure and function are either unavailable or do not agree on the potential impact of this missense change (SIFT: "Deleterious"; PolyPhen-2: "Probably Damaging"; Align-GVGD: "Class C0"). In summary, the available evidence is currently insufficient to determine the role of this variant in disease. Therefore, it has been classified as a Variant of Uncertain Significance.